The following is an entry in ClinVar:

NM_001365951.3(KIF1B):c.423T>C (p.Ser141=)

Genes: KIF1B (kinesin family member 1B; plus strand), LOC129388447 (MPRA-validated peak65 silencer; plus strand). Cytogenetic location: 1p36.22.
Variant type: single nucleotide variant.
Coding change: c.423T>C on transcript NM_001365951.3 (MANE Select); coding-DNA position 423, T replaced by C.
Protein change: p.Ser141=; no amino-acid change (serine 141 retained).
Molecular consequence: synonymous variant.
Genome position (GRCh38, 1-based): chr1:10,261,964, T>C. VCF-style: chr1-10261964-T-C. GRCh37 (hg19) VCF-style: chr1-10322022-T-C.
Other names: c.423T>C, p.Ser141= (NM_001365952.1, NM_001365953.1, NM_015074.3 and 1 more transcripts).
Identifiers: ClinVar variation 1738990 (VCV001738990.26), dbSNP rs767923728, ClinGen allele CA580693.

ClinVar aggregate classification (germline): Likely benign. Review status: criteria provided, multiple submitters, no conflicts (2 of 4 stars). 2 submissions from 2 submitters: Likely benign (2). Last evaluated 2022-10-01.

Allele frequency attached by ClinVar (database versions not stated): gnomAD exomes below 0.00001; ExAC 0.00001.

Submissions (2):

CeGaT Center for Human Genetics Tuebingen
Classification: Likely benign. Last evaluated: 2022-10-01. Review status: criteria provided, single submitter. Criteria: CeGaT Center For Human Genetics Tuebingen Variant Classification Criteria Version 2. Collection method: clinical testing. Allele origin: germline. Affected: yes. Observed: 1 variant allele.
Comment: KIF1B: BP4, BP7

Ambry Genetics
Classification: Likely benign. Last evaluated: 2022-03-02. Review status: criteria provided, single submitter. Criteria: Ambry Variant Classification Scheme 2023. Collection method: clinical testing. Allele origin: germline.